The following is an entry in ClinVar:

NM_000169.3(GLA):c.1073A>G (p.Glu358Gly)

Genes: GLA (galactosidase alpha; minus strand), RPL36A-HNRNPH2 (RPL36A-HNRNPH2 readthrough; plus strand). Cytogenetic location: Xq22.1.
Variant type: single nucleotide variant.
Coding change: c.1073A>G on transcript NM_000169.3 (MANE Select); coding-DNA position 1073, A replaced by G.
Protein change: p.Glu358Gly; replaces glutamic acid 358 with glycine.
Molecular consequence: missense variant. On other transcripts: non-coding transcript variant (3), intron variant (2).
Genome position (GRCh38, 1-based): chrX:101,398,026, T>C on the plus strand (A>G on the coding strand, the complement: GLA is on the minus strand). VCF-style: chrX-101398026-T-C. GRCh37 (hg19) VCF-style: chrX-100653014-T-C.
Other names: c.1196A>G, p.Glu399Gly (NM_001406747.1); c.300+2569T>C (NM_001199973.2); c.177+6204T>C (NM_001199974.2); short protein forms E358G, E399G.
Identifiers: ClinVar variation 4087633 (VCV004087633.2), dbSNP rs869312224.
Genomic context (GRCh38, chrX:101,398,026, plus strand): 5'-CAGGCCACTCCTTTACCCAGGGAAGCAACTGCGATGGTATAAGAGCGAGGTCCACCAATC[T>C]CCTGCCGGTTTATCATAGCTACAGCCCAGGCTAAGCCTGAGAGAGGTCGTTCCCACACTT-3'
Protein context (NP_000160.1, residues 348-368): AWAVAMINRQ[Glu358Gly]IGGPRSYTIA

ClinVar aggregate classification (germline): Likely pathogenic (1 of 4 stars; one submission).

Conditions:
Fabry disease. Also called: ALPHA-GALACTOSIDASE A DEFICIENCY; ANDERSON-FABRY DISEASE; CERAMIDE TRIHEXOSIDASE DEFICIENCY; GLA DEFICIENCY; HEREDITARY DYSTOPIC LIPIDOSIS; Angiokeratoma corporis diffusum. Identifiers: Orphanet 324, MedGen C0002986, MONDO:0010526, OMIM 301500, HP:0001071. Disease mechanism: Fabry disease is due to inactivating mutations in the X-linked GLA gene resulting in deficiency of the enzyme Alpha Galactosidase-A., loss of function.

Submission:

Genomenon, Inc
Classification: Likely pathogenic for Fabry disease. Last evaluated: 2026-09-08. Review status: criteria provided, single submitter. Criteria: Genomenon Sequence Variant Interpretation Standards - Updated. Collection method: curation. Allele origin: germline. Affected: yes.
Comment: GLA p.Glu358Gly (c.1073A>G) is a missense variant that changes the amino acid at codon 358 from Glutamic acid to Glycine. This variant has been observed in at least one proband with clinical features consistent with Fabry disease (PMID:12428061;30477121;39595144;16510324;35743707). At least one functional study has demonstrated a substantial alteration in protein function relative to the wild-type (PMID:27657681). It is absent or not present at a significant frequency in gnomAD. In silico models predict that this variant is possibly or probably damaging. In conclusion, we classify GLA p.Glu358Gly (c.1073A>G) as a likely pathogenic variant.

Literature cited by the submitters: PubMed 12428061; PubMed 30477121; PubMed 39595144; PubMed 16510324; PubMed 35743707; PubMed 27657681.